The following is an entry in ClinVar:

NM_000236.3(LIPC):c.841C>G (p.Arg281Gly)

Gene: LIPC (lipase C, hepatic type; plus strand). Cytogenetic location: 15q21.3.
Variant type: single nucleotide variant.
Coding change: c.841C>G on transcript NM_000236.3 (MANE Select); coding-DNA position 841, C replaced by G.
Protein change: p.Arg281Gly; replaces arginine 281 with glycine.
Molecular consequence: missense variant.
Genome position (GRCh38, 1-based): chr15:58,548,362, C>G. VCF-style: chr15-58548362-C-G. GRCh37 (hg19) VCF-style: chr15-58840561-C-G.
Other names: short protein forms R281G.
Identifiers: ClinVar variation 5005439 (VCV005005439.2).
Genomic context (GRCh38, chr15:58,548,362, plus strand): 5'-ATAACGTCCTTCTTGCCCTGTGTTCCAGCCATCACCCAGACCATAAAATGCTCCCACGAG[C>G]GATCGGTGCACCTTTTCATCGACTCCTTGCTGCACGCCGGCACGCAGAGCATGGCCTACC-3'
Protein context (NP_000227.2, residues 271-291): ITQTIKCSHE[Arg281Gly]SVHLFIDSLL

ClinVar aggregate classification (germline): Uncertain significance (1 of 4 stars; one submission).

Conditions:
High density lipoprotein cholesterol level quantitative trait locus 12 (HDLCQ12). Identifiers: MedGen C2675071, OMIM 612797.
Type 2 diabetes mellitus. Also called: Type II diabetes mellitus. Identifiers: MedGen C0011860, MeSH D003924, MONDO:0005148, OMIM 125853, HP:0005978.
Hyperlipidemia due to hepatic triglyceride lipase deficiency. Also called: LIPC DEFICIENCY. Identifiers: Orphanet 140905, MedGen C3151466, MONDO:0013533, OMIM 614025.

Submission:

Juno Genomics, Hangzhou Juno Genomics, Inc
Classification: Uncertain significance for High density lipoprotein cholesterol level quantitative trait locus 12; Type 2 diabetes mellitus; Hyperlipidemia due to hepatic triglyceride lipase deficiency. Review status: criteria provided, single submitter. Criteria: ACMG Guidelines, 2015. Collection method: clinical testing. Allele origin: germline.
Comment: Absent from controls (or at extremely low frequency if recessive) in Genome Aggregation Database.;Multiple lines of computational evidence support a deleterious effect on the gene or gene product.